The following is an entry in ClinVar:

ClinVar aggregate classification (germline): Uncertain significance (1 of 4 stars; one submission).

Conditions:
Inborn genetic diseases. Identifiers: MedGen C0950123, MeSH D030342.

Allele frequency attached by ClinVar (database versions not stated): gnomAD 0.00001; TOPMed 0.00001.
gnomAD v4.1: 24 of 1,611,702 alleles (0.0015%); highest among the groups gnomAD compares: Middle Eastern, 0.016%; no homozygotes.

Submission:

Ambry Genetics
Classification: Uncertain significance for Inborn genetic diseases. Last evaluated: 2025-07-15. Review status: criteria provided, single submitter. Criteria: Ambry Variant Classification Scheme 2023. Collection method: clinical testing. Allele origin: germline.
Comment: The c.532G>A (p.G178S) alteration is located in exon 5 (coding exon 5) of the TNRC6B gene. This alteration results from a G to A substitution at nucleotide position 532, causing the glycine (G) at amino acid position 178 to be replaced by a serine (S). This variant was not reported in population-based cohorts in the Genome Aggregation Database (gnomAD). This amino acid position is not well conserved in available vertebrate species. This alteration is predicted to be tolerated by in silico analysis. Based on insufficient or conflicting evidence, the clinical significance of this alteration remains unclear.

NM_001162501.2(TNRC6B):c.532G>A (p.Gly178Ser)

Gene: TNRC6B (trinucleotide repeat containing adaptor 6B; plus strand). Cytogenetic location: 22q13.1.
Variant type: single nucleotide variant.
Coding change: c.532G>A on transcript NM_001162501.2 (MANE Select); coding-DNA position 532, G replaced by A.
Protein change: p.Gly178Ser; replaces glycine 178 with serine.
Molecular consequence: missense variant. On other transcripts: intron variant (1).
Genome position (GRCh38, 1-based): chr22:40,264,762, G>A. VCF-style: chr22-40264762-G-A. GRCh37 (hg19) VCF-style: chr22-40660766-G-A.
Other names: c.532G>A, p.Gly178Ser (NM_015088.3); c.565+2589G>A (NM_001024843.2); short protein forms G178S.
Identifiers: ClinVar variation 2217139 (VCV002217139.4), dbSNP rs1363269801, ClinGen allele CA411626872.